The following is an entry in ClinVar:

NM_000521.4(HEXB):c.276C>A (p.Thr92=)

Gene: HEXB (hexosaminidase subunit beta; plus strand). Cytogenetic location: 5q13.3.
Variant type: single nucleotide variant.
Coding change: c.276C>A on transcript NM_000521.4 (MANE Select); coding-DNA position 276, C replaced by A.
Protein change: p.Thr92=; no amino-acid change (threonine 92 retained).
Molecular consequence: synonymous variant. On other transcripts: intron variant (1).
Genome position (GRCh38, 1-based): chr5:74,685,536, C>A. VCF-style: chr5-74685536-C-A. GRCh37 (hg19) VCF-style: chr5-73981361-C-A.
Other names: c.-376-3792C>A (NM_001292004.2).
Identifiers: ClinVar variation 1125993 (VCV001125993.33), dbSNP rs140509633, ClinGen allele CA3305780.

ClinVar aggregate classification (germline): Likely benign. Review status: criteria provided, multiple submitters, no conflicts (2 of 4 stars). 3 submissions from 3 submitters: Likely benign (3). Last evaluated 2026-01-19.

Conditions:
Sandhoff disease. Also called: GM2-GANGLIOSIDOSIS, TYPE II; HEXOSAMINIDASES A AND B DEFICIENCY; Beta-hexosaminidase-beta-subunit deficiency; GM2 gangliosidosis, type 2; Total hexosaminidase deficiency; Sandhoff-Jatzkewitz-Pilz disease. Identifiers: Orphanet 796, MedGen C0036161, MONDO:0010006, OMIM 268800.

gnomAD v4.1: 46 of 1,572,060 alleles (0.0029%); highest among the groups gnomAD compares: Admixed American, 0.0097%; 1 homozygote.

Submissions (3):

Labcorp Genetics (formerly Invitae), Labcorp
Classification: Likely benign for Sandhoff disease. Last evaluated: 2026-01-19. Review status: criteria provided, single submitter. Criteria: Invitae Variant Classification Sherloc (09022015). Collection method: clinical testing. Allele origin: germline.

CeGaT Center for Human Genetics Tuebingen
Classification: Likely benign. Last evaluated: 2025-12-01. Review status: criteria provided, single submitter. Criteria: CeGaT Center For Human Genetics Tuebingen Variant Classification Criteria Version 2. Collection method: clinical testing. Allele origin: germline. Affected: yes. Observed: 5 variant alleles.
Comment: HEXB: BP4, BP7

Blueprint Genetics
Classification: Likely benign. Last evaluated: 2024-10-24. Review status: criteria provided, single submitter. Criteria: ACMG Guidelines, 2015. Collection method: clinical testing. Allele origin: germline.